The following is an entry in ClinVar:

NM_000170.3(GLDC):c.3040G>T (p.Glu1014Ter)

Gene: GLDC (glycine decarboxylase; minus strand). Cytogenetic location: 9p24.1.
Variant type: single nucleotide variant.
Coding change: c.3040G>T on transcript NM_000170.3 (MANE Select); coding-DNA position 3040, G replaced by T.
Protein change: p.Glu1014Ter; replaces glutamic acid 1014 with a stop codon.
Molecular consequence: nonsense.
Genome position (GRCh38, 1-based): chr9:6,533,040, C>A on the plus strand (G>T on the coding strand, the complement: GLDC is on the minus strand). VCF-style: chr9-6533040-C-A. GRCh37 (hg19) VCF-style: chr9-6533040-C-A.
Other names: short protein forms E1014*.
Identifiers: ClinVar variation 557131 (VCV000557131.7), dbSNP rs1444245039, ClinGen allele CA372881530.

ClinVar aggregate classification (germline): Uncertain significance. Review status: criteria provided, single submitter (1 of 4 stars). 2 submissions from 2 submitters: Uncertain significance (1). 1 of the submissions does not count toward it. Last evaluated 2021-12-02.

Conditions:
Glycine encephalopathy. Also called: Non-ketotic hyperglycinemia; Nonketotic hyperglycinemia. Identifiers: Orphanet 407, MedGen C0751748, MONDO:0011612, HP:0008288.
Glycine encephalopathy 1 (GCE1). Identifiers: MedGen CN376801, MONDO:0958179, OMIM 605899.

Submissions (2):

Labcorp Genetics (formerly Invitae), Labcorp
Classification: Uncertain significance for Glycine encephalopathy. Last evaluated: 2021-12-02. Review status: criteria provided, single submitter. Criteria: Invitae Variant Classification Sherloc (09022015). Collection method: clinical testing. Allele origin: germline.
Comment: This variant has not been reported in the literature in individuals affected with GLDC-related conditions. This variant is not present in population databases (gnomAD no frequency). This sequence change creates a premature translational stop signal (p.Glu1014*) in the GLDC gene. While this is not anticipated to result in nonsense mediated decay, it is expected to disrupt the last 7 amino acid(s) of the GLDC protein. ClinVar contains an entry for this variant (Variation ID: 557131). In summary, the available evidence is currently insufficient to determine the role of this variant in disease. Therefore, it has been classified as a Variant of Uncertain Significance. Experimental studies and prediction algorithms are not available or were not evaluated, and the functional significance of this variant is currently unknown.

Counsyl
Classification: Uncertain significance for Glycine encephalopathy 1. Last evaluated: 2018-03-09. Review status: no assertion criteria provided. Collection method: clinical testing. Allele origin: unknown. Not counted in ClinVar's aggregate classification.